The following is an entry in ClinVar:

ClinVar aggregate classification (germline): Uncertain significance. Review status: criteria provided, multiple submitters, no conflicts (2 of 4 stars). 3 submissions from 3 submitters: Uncertain significance (3). Last evaluated 2025-12-04.

Conditions:
Age related macular degeneration 1 (ARMD1). Also called: MACULOPATHY, AGE-RELATED, 1. Identifiers: MedGen C1864205, MONDO:0011285, OMIM 603075.

Allele frequency attached by ClinVar (database versions not stated): gnomAD 0.00001; gnomAD exomes 0.00001; TOPMed 0.00002; ExAC 0.00003.
gnomAD v4.1: 11 of 1,613,284 alleles (0.00068%); highest among the groups gnomAD compares: Admixed American, 0.012%; no homozygotes.

Submissions (3):

Ambry Genetics
Classification: Uncertain significance. Last evaluated: 2025-12-04. Review status: criteria provided, single submitter. Criteria: Ambry Variant Classification Scheme 2023. Collection method: clinical testing. Allele origin: germline.

Genome-Nilou Lab
Classification: Uncertain significance for Age related macular degeneration 1. Last evaluated: 2023-04-11. Review status: criteria provided, single submitter. Criteria: ACMG Guidelines, 2015. Collection method: clinical testing. Allele origin: germline. Affected: no.

Labcorp Genetics (formerly Invitae), Labcorp
Classification: Uncertain significance. Last evaluated: 2022-08-31. Review status: criteria provided, single submitter. Criteria: Invitae Variant Classification Sherloc (09022015). Collection method: clinical testing. Allele origin: germline.
Comment: This variant has not been reported in the literature in individuals affected with HMCN1-related conditions. In summary, the available evidence is currently insufficient to determine the role of this variant in disease. Therefore, it has been classified as a Variant of Uncertain Significance. Algorithms developed to predict the effect of missense changes on protein structure and function output the following: SIFT: "Tolerated"; PolyPhen-2: "Benign"; Align-GVGD: "Class C0". The threonine amino acid residue is found in multiple mammalian species, which suggests that this missense change does not adversely affect protein function. This variant is present in population databases (rs780813287, gnomAD 0.01%). This sequence change replaces alanine, which is neutral and non-polar, with threonine, which is neutral and polar, at codon 1646 of the HMCN1 protein (p.Ala1646Thr).

NM_031935.3(HMCN1):c.4936G>A (p.Ala1646Thr)

Gene: HMCN1 (hemicentin 1; plus strand). Cytogenetic location: 1q31.1.
Variant type: single nucleotide variant.
Coding change: c.4936G>A on transcript NM_031935.3 (MANE Select); coding-DNA position 4936, G replaced by A.
Protein change: p.Ala1646Thr; replaces alanine 1646 with threonine.
Molecular consequence: missense variant.
Genome position (GRCh38, 1-based): chr1:186,015,984, G>A. VCF-style: chr1-186015984-G-A. GRCh37 (hg19) VCF-style: chr1-185985116-G-A.
Other names: c.4936G>A (NM_031935.2); short protein forms A1646T.
Identifiers: ClinVar variation 2192878 (VCV002192878.7), dbSNP rs780813287, ClinGen allele CA1292143.
Genomic context (GRCh38, chr1:186,015,984, plus strand): 5'-TAATTGCCTGAAATATTGCTATGTTTCTCCCTAGTTCCTCCAATGATTGAAGGCAACTTG[G>A]CCACGCCTTTGAATAAGCAAGTAGTTATTGCTCATTCTCTGACACTGGAGTGCAAAGCTG-3'
Protein context (NP_114141.2, residues 1636-1656): YVPPMIEGNL[Ala1646Thr]TPLNKQVVIA